The following is an entry in ClinVar:

ClinVar aggregate classification (germline): Uncertain significance (1 of 4 stars; one submission).

Conditions:
Myasthenic syndrome, congenital, 22 (CMS22). Also called: PREPL DEFICIENCY. Identifiers: MedGen C4479088, MONDO:0044299, OMIM 616224.

Submission:

Baylor Genetics
Classification: Uncertain significance for Myasthenic syndrome, congenital, 22. Last evaluated: 2019-06-19. Review status: criteria provided, single submitter. Criteria: ACMG Guidelines, 2015. Collection method: clinical testing. Allele origin: unknown. Affected: yes.
Comment: This variant was determined to be of uncertain significance according to ACMG Guidelines, 2015 [PMID:25741868].

NM_001171613.2(PREPL):c.137AAG[1] (p.Glu47del)

Gene: PREPL (prolyl endopeptidase like; minus strand). Cytogenetic location: 2p21.
Variant type: Microsatellite.
Coding change: c.137AAG[1] on transcript NM_001171613.2 (MANE Select); one copy of the 3-base unit AAG starting at c.137; the reference has two copies in a row; one copy, 3 bases deleted.
Protein change: p.Glu47del; deletes glutamic acid 47.
Molecular consequence: inframe deletion.
Genome position (GRCh38, 1-based): chr2:44,344,520-44,344,522, CTT deleted on the plus strand (AAG on the coding strand, the reverse complement: PREPL is on the minus strand); deleting any 3 consecutive bases within chr2:44,344,520-44,344,526 gives the same sequence; the position shown is the placement nearest the transcript's 3' end. VCF-style (leftmost placement, unchanged base first): chr2-44344519-CCTT-C. GRCh37 (hg19) VCF-style: chr2-44571658-CCTT-C.
Other names: c.404AAG[1], p.Glu136del (NM_001042385.2, NM_001042386.2, NM_001171603.1 and 4 more transcripts); c.137AAG[1], p.Glu47del (NM_001171617.1, NM_001374277.1); c.407_409delAAG (NM_006036.4); short protein forms E47del, E136del.
Identifiers: ClinVar variation 1030067 (VCV001030067.1), dbSNP rs1675572705, ClinGen allele CA2494234116.